The following is an entry in ClinVar:

ClinVar aggregate classification (germline): Uncertain significance (0 of 4 stars; one submission).

Conditions:
NAV2-related disorder. Also called: NAV2-related condition.

Submission:

PreventionGenetics, part of Exact Sciences
Classification: Uncertain significance for NAV2-related condition. Last evaluated: 2024-06-20. Review status: no assertion criteria provided. Collection method: clinical testing. Allele origin: germline.
Comment: The NAV2 c.2848A>G variant is predicted to result in the amino acid substitution p.Ser950Gly. To our knowledge, this variant has not been reported in the literature or in a large population database, indicating this variant is rare. At this time, the clinical significance of this variant is uncertain due to the absence of conclusive functional and genetic evidence.

NM_145117.5(NAV2):c.2779A>G (p.Ser927Gly)

Gene: NAV2 (neuron navigator 2; plus strand). Cytogenetic location: 11p15.1.
Variant type: single nucleotide variant.
Coding change: c.2779A>G on transcript NM_145117.5 (MANE Select); coding-DNA position 2779, A replaced by G.
Protein change: p.Ser927Gly; replaces serine 927 with glycine.
Molecular consequence: missense variant.
Genome position (GRCh38, 1-based): chr11:20,035,969, A>G. VCF-style: chr11-20035969-A-G. GRCh37 (hg19) VCF-style: chr11-20057515-A-G.
Other names: c.2587A>G, p.Ser863Gly (NM_001111018.2); c.37A>G, p.Ser13Gly (NM_001111019.3); c.2848A>G, p.Ser950Gly (NM_001244963.2); c.2779A>G, p.Ser927Gly (NM_182964.6); short protein forms S13G, S863G, S927G, S950G.
Identifiers: ClinVar variation 3344522 (VCV003344522.1).